The following is an entry in ClinVar:

ClinVar aggregate classification (germline): Uncertain significance. Review status: criteria provided, multiple submitters, no conflicts (2 of 4 stars). 3 submissions from 3 submitters: Uncertain significance (3). Last evaluated 2024-10-15.

Conditions:
Charcot-Marie-Tooth disease type 2E (CMT2E). Also called: CHARCOT-MARIE-TOOTH DISEASE, AXONAL, TYPE 2E; CHARCOT-MARIE-TOOTH NEUROPATHY, TYPE 2E. Identifiers: Orphanet 99939, MedGen C1843225, MONDO:0011894, OMIM 607684.
Inborn genetic diseases. Identifiers: MedGen C0950123, MeSH D030342.

Allele frequency attached by ClinVar (database versions not stated): gnomAD exomes 0.00001; gnomAD 0.00003; TOPMed 0.00006.

Submissions (3):

Labcorp Genetics (formerly Invitae), Labcorp
Classification: Uncertain significance for Charcot-Marie-Tooth disease type 2E. Last evaluated: 2024-10-15. Review status: criteria provided, single submitter. Criteria: Invitae Variant Classification Sherloc (09022015). Collection method: clinical testing. Allele origin: germline.
Comment: This sequence change replaces serine, which is neutral and polar, with phenylalanine, which is neutral and non-polar, at codon 61 of the NEFL protein (p.Ser61Phe). This variant is present in population databases (no rsID available, gnomAD 0.01%). This variant has not been reported in the literature in individuals affected with NEFL-related conditions. ClinVar contains an entry for this variant (Variation ID: 1163020). Invitae Evidence Modeling of protein sequence and biophysical properties (such as structural, functional, and spatial information, amino acid conservation, physicochemical variation, residue mobility, and thermodynamic stability) indicates that this missense variant is not expected to disrupt NEFL protein function with a negative predictive value of 80%. In summary, the available evidence is currently insufficient to determine the role of this variant in disease. Therefore, it has been classified as a Variant of Uncertain Significance.

Ambry Genetics
Classification: Uncertain significance for Inborn genetic diseases. Last evaluated: 2022-06-29. Review status: criteria provided, single submitter. Criteria: Ambry Variant Classification Scheme 2023. Collection method: clinical testing. Allele origin: germline.
Comment: The p.S61F variant (also known as c.182C>T), located in coding exon 1 of the NEFL gene, results from a C to T substitution at nucleotide position 182. The serine at codon 61 is replaced by phenylalanine, an amino acid with highly dissimilar properties. This amino acid position is conserved. In addition, the in silico prediction for this alteration is inconclusive. Since supporting evidence is limited at this time, the clinical significance of this alteration remains unclear.

Mayo Clinic Laboratories, Mayo Clinic
Classification: Uncertain significance. Last evaluated: 2019-09-02. Review status: criteria provided, single submitter. Criteria: ACMG Guidelines, 2015. Collection method: clinical testing. Allele origin: germline. Observed: 1 variant allele.

NM_006158.5(NEFL):c.182C>T (p.Ser61Phe)

Gene: NEFL (neurofilament light chain; minus strand). Cytogenetic location: 8p21.2.
Variant type: single nucleotide variant.
Coding change: c.182C>T on transcript NM_006158.5 (MANE Select); coding-DNA position 182, C replaced by T.
Protein change: p.Ser61Phe; replaces serine 61 with phenylalanine.
Molecular consequence: missense variant.
Genome position (GRCh38, 1-based): chr8:24,956,334, G>A on the plus strand (C>T on the coding strand, the complement: NEFL is on the minus strand). VCF-style: chr8-24956334-G-A. GRCh37 (hg19) VCF-style: chr8-24813848-G-A.
Other names: short protein forms S61F.
Identifiers: ClinVar variation 1163020 (VCV001163020.10), dbSNP rs1368855205, ClinGen allele CA370623271.
Genomic context (GRCh38, chr8:24,956,334, plus strand): 5'-TTGCTGATGGCGGCTACCTGGCTCAGGTCGAGGTTCTCCAGACTGGGCATCAACGATCCA[G>A]AGCTGGAGGAGTAGCTGCGGCGCACGGACAGCGAGGAAGACACCGGCGCCGAGTAGCTGG-3'
Protein context (NP_006149.2, residues 51-71): LSVRRSYSSS[Ser61Phe]GSLMPSLENL